The following is an entry in ClinVar:

ClinVar aggregate classification (germline): Uncertain significance (1 of 4 stars; one submission).

gnomAD v4.1: 8 of 1,614,032 alleles (0.0005%); highest among the groups gnomAD compares: East Asian, 0.0022%; no homozygotes.

Submission:

Labcorp Genetics (formerly Invitae), Labcorp
Classification: Uncertain significance. Last evaluated: 2024-03-27. Review status: criteria provided, single submitter. Criteria: Invitae Variant Classification Sherloc (09022015). Collection method: clinical testing. Allele origin: germline.
Comment: This sequence change replaces threonine, which is neutral and polar, with methionine, which is neutral and non-polar, at codon 714 of the KANK1 protein (p.Thr714Met). This variant is present in population databases (rs199666686, gnomAD 0.006%). This variant has not been reported in the literature in individuals affected with KANK1-related conditions. Advanced modeling of protein sequence and biophysical properties (such as structural, functional, and spatial information, amino acid conservation, physicochemical variation, residue mobility, and thermodynamic stability) performed at Invitae indicates that this missense variant is not expected to disrupt KANK1 protein function with a negative predictive value of 80%. In summary, the available evidence is currently insufficient to determine the role of this variant in disease. Therefore, it has been classified as a Variant of Uncertain Significance.

NM_015158.5(KANK1):c.2141C>T (p.Thr714Met)

Gene: KANK1 (KN motif and ankyrin repeat domains 1; plus strand). Cytogenetic location: 9p24.3.
Variant type: single nucleotide variant.
Coding change: c.2141C>T on transcript NM_015158.5 (MANE Select); coding-DNA position 2141, C replaced by T.
Protein change: p.Thr714Met; replaces threonine 714 with methionine.
Molecular consequence: missense variant. On other transcripts: non-coding transcript variant (1).
Genome position (GRCh38, 1-based): chr9:712,907, C>T. VCF-style: chr9-712907-C-T. GRCh37 (hg19) VCF-style: chr9-712907-C-T.
Other names: c.2141C>T, p.Thr714Met (NM_001256876.3, NM_001256877.3, NM_001354331.2 and 2 more transcripts); c.1667C>T, p.Thr556Met (NM_001354333.2, NM_001354335.2, NM_001354336.2 and 9 more transcripts); short protein forms T714M, T556M.
Identifiers: ClinVar variation 3716087 (VCV003716087.2).
Genomic context (GRCh38, chr9:712,907, plus strand): 5'-CCTGCACCAACACTTGTCTAAGCACTTTGGACAAGCAGACCAGCACCCAGACTGTGGAGA[C>T]GCGGACAGTAGCTGTAGGAGAAGGCCGTGTCAAGGACATCAACTCCTCCACCAAGACGCG-3'
Protein context (NP_055973.2, residues 704-724): DKQTSTQTVE[Thr714Met]RTVAVGEGRV